The following is an entry in ClinVar:

ClinVar aggregate classification (germline): Benign/Likely benign. Review status: criteria provided, multiple submitters, no conflicts (2 of 4 stars). 2 submissions from 2 submitters: Benign (1); Likely benign (1). Last evaluated 2018-01-13.

Conditions:
Age related macular degeneration 8. Identifiers: MedGen C3151070, MONDO:0013416, OMIM 613778.

Allele frequency attached by ClinVar (database versions not stated): 1000 Genomes Project 0.05192; 1000 Genomes Project 30x 0.05543; gnomAD 0.11629 and 0.11668; gnomAD exomes 0.16309.
gnomAD v4.1: 25,019 of 194,088 alleles (13%); highest among the groups gnomAD compares: Non-Finnish European, 18%; 2,844 homozygotes.

Submissions (2):

Illumina Laboratory Services, Illumina
Classification: Benign for Age related macular degeneration 8. Last evaluated: 2018-01-13. Review status: criteria provided, single submitter. Criteria: ICSL Variant Classification Criteria 13 December 2019. Collection method: clinical testing. Allele origin: germline.
Comment: This variant was observed in the ICSL laboratory as part of a predisposition screen in an ostensibly healthy population. It had not been previously curated by ICSL or reported in the Human Gene Mutation Database (HGMD: prior to June 1st, 2018), and was therefore a candidate for classification through an automated scoring system. Utilizing variant allele frequency, disease prevalence and penetrance estimates, and inheritance mode, an automated score was calculated to assess if this variant is too frequent to cause the disease. Based on the score and internal cut-off values, a variant classified as benign is not then subjected to further curation. The score for this variant resulted in a classification of benign for this disease.

Breakthrough Genomics
Classification: Likely benign. Review status: criteria provided, single submitter. Criteria: ACMG Guidelines, 2015. Collection method: not provided. Allele origin: germline. Inheritance: Unknown mechanism. Affected: yes.

NM_001099667.3(ARMS2):c.*376T>C

Genes: HTRA1-AS1 (HTRA1 and ARMS2 antisense RNA 1; minus strand), ARMS2 (age-related maculopathy susceptibility 2; plus strand). Cytogenetic location: 10q26.13.
Variant type: single nucleotide variant.
Coding change: c.*376T>C on transcript NM_001099667.3 (MANE Select); 376 bases downstream of the stop codon, T replaced by C.
Molecular consequence: 3 prime UTR variant.
Genome position (GRCh38, 1-based): chr10:122,457,309, T>C. VCF-style: chr10-122457309-T-C. GRCh37 (hg19) VCF-style: chr10-124216825-T-C.
Identifiers: ClinVar variation 299039 (VCV000299039.7), dbSNP rs2672602, ClinGen allele CA10628132.